The following is an entry in ClinVar:

ClinVar aggregate classification (germline): Uncertain significance (1 of 4 stars; one submission).

Conditions:
Adams-Oliver syndrome 5 (AOS5). Identifiers: Orphanet 974, MedGen C4014970, MONDO:0014459, OMIM 616028.

Submission:

Labcorp Genetics (formerly Invitae), Labcorp
Classification: Uncertain significance for Adams-Oliver syndrome 5. Last evaluated: 2024-05-23. Review status: criteria provided, single submitter. Criteria: Invitae Variant Classification Sherloc (09022015). Collection method: clinical testing. Allele origin: germline.
Comment: This sequence change replaces asparagine, which is neutral and polar, with lysine, which is basic and polar, at codon 548 of the NOTCH1 protein (p.Asn548Lys). This variant is not present in population databases (gnomAD no frequency). This variant has not been reported in the literature in individuals affected with NOTCH1-related conditions. Advanced modeling of protein sequence and biophysical properties (such as structural, functional, and spatial information, amino acid conservation, physicochemical variation, residue mobility, and thermodynamic stability) has been performed at Invitae for this missense variant, however the output from this modeling did not meet the statistical confidence thresholds required to predict the impact of this variant on NOTCH1 protein function. In summary, the available evidence is currently insufficient to determine the role of this variant in disease. Therefore, it has been classified as a Variant of Uncertain Significance.

NM_017617.5(NOTCH1):c.1644C>G (p.Asn548Lys)

Gene: NOTCH1 (notch receptor 1; minus strand). Cytogenetic location: 9q34.3.
Variant type: single nucleotide variant.
Coding change: c.1644C>G on transcript NM_017617.5 (MANE Select); coding-DNA position 1644, C replaced by G.
Protein change: p.Asn548Lys; replaces asparagine 548 with lysine.
Molecular consequence: missense variant.
Genome position (GRCh38, 1-based): chr9:136,516,006, G>C on the plus strand (C>G on the coding strand, the complement: NOTCH1 is on the minus strand). VCF-style: chr9-136516006-G-C. GRCh37 (hg19) VCF-style: chr9-139410458-G-C.
Other names: short protein forms N548K.
Identifiers: ClinVar variation 3691561 (VCV003691561.2).